The following is an entry in ClinVar:

NM_000083.3(CLCN1):c.830dup (p.Cys277fs)

Gene: CLCN1 (chloride voltage-gated channel 1; plus strand). Cytogenetic location: 7q34.
Variant type: Duplication.
Coding change: c.830dup on transcript NM_000083.3 (MANE Select); coding-DNA position 830, one base duplicated (G; older notation c.830dupG).
Protein change: p.Cys277fs; shifts the reading frame from cysteine 277.
Molecular consequence: frameshift variant. On other transcripts: non-coding transcript variant (1).
Genome position (GRCh38, 1-based): chr7:143,324,469, G duplicated. VCF-style (leftmost placement, unchanged base first): chr7-143324468-T-TG. GRCh37 (hg19) VCF-style: chr7-143021561-T-TG.
Other names: short protein forms C277fs.
Identifiers: ClinVar variation 17544 (VCV000017544.9), dbSNP rs140026363, ClinGen allele CA4537131.

ClinVar aggregate classification (germline): Pathogenic. Review status: criteria provided, multiple submitters, no conflicts (2 of 4 stars). 3 submissions from 3 submitters: Pathogenic (2). 1 of the submissions does not count toward it. Last evaluated 2025-12-12.

Conditions:
Congenital myotonia, autosomal dominant form (THD). Also called: Myotonia congenita autosomal dominant; THOMSEN DISEASE. Identifiers: Orphanet 614, MedGen C2936781, MONDO:0008055, OMIM 160800.
Congenital myotonia, autosomal recessive form. Also called: BECKER DISEASE; Becker Generalized Myotonia; myotonia congenita, autosomal recessive. Identifiers: Orphanet 614, MedGen C0751360, MONDO:0009715, OMIM 255700.

Allele frequency attached by ClinVar (database versions not stated): ExAC 0.00001; gnomAD exomes below 0.00001; gnomAD 0.00002; TOPMed 0.00001.

Submissions (3):

Variantyx, Inc.
Classification: Pathogenic for Congenital myotonia, autosomal recessive form. Last evaluated: 2025-12-12. Review status: criteria provided, single submitter. Criteria: Variantyx Assertion Criteria 2022. Collection method: clinical testing. Allele origin: germline. Inheritance: Autosomal recessive inheritance. Affected: yes.
Comment: This is a frameshift variant in the CLCN1 gene (OMIM: 118425). Pathogenic variants in this gene have been associated with autosomal recessive myotonia congenita. This variant introduces a premature termination codon in exon 7 out of 23 and is expected to result in loss of function, which is a known disease mechanism for CLCN1 in this disorder (PMID: 11113225) (PVS1). This variant has been observed to segregate with disease in at least two individuals from one family (PMID: 11113225) (PP1). This variant has a 0.0067% maximum allele frequency in non-founder control populations (PM2). Based on the current evidence, this variant is classified as pathogenic for autosomal recessive myotonia congenita.

Labcorp Genetics (formerly Invitae), Labcorp
Classification: Pathogenic for Congenital myotonia, autosomal recessive form; Congenital myotonia, autosomal dominant form. Last evaluated: 2025-04-17. Review status: criteria provided, single submitter. Criteria: Invitae Variant Classification Sherloc (09022015). Collection method: clinical testing. Allele origin: germline.
Comment: This sequence change creates a premature translational stop signal (p.Cys277Trpfs*13) in the CLCN1 gene. It is expected to result in an absent or disrupted protein product. Loss-of-function variants in CLCN1 are known to be pathogenic (PMID: 17932099, 22094069, 23739125). This variant is present in population databases (rs140026363, gnomAD 0.008%). This premature translational stop signal has been observed in individual(s) with autosomal recessive myotonia congenita (PMID: 11113225). It has also been observed to segregate with disease in related individuals. This variant is also known as fs289X. ClinVar contains an entry for this variant (Variation ID: 17544). For these reasons, this variant has been classified as Pathogenic.

OMIM
Classification: Pathogenic for MYOTONIA CONGENITA, AUTOSOMAL RECESSIVE. Last evaluated: 2000-12-12. Review status: no assertion criteria provided. Collection method: literature only. Allele origin: germline. Not counted in ClinVar's aggregate classification.

Literature cited by the submitters: PubMed 11113225 (cited by 3 submitters); PubMed 17932099 (cited by Labcorp Genetics (formerly Invitae), Labcorp); PubMed 22094069 (cited by Labcorp Genetics (formerly Invitae), Labcorp); PubMed 23739125 (cited by Labcorp Genetics (formerly Invitae), Labcorp).